The following is an entry in ClinVar:

NM_017636.4(TRPM4):c.3244A>G (p.Ile1082Val)

Gene: TRPM4 (transient receptor potential cation channel subfamily M member 4; plus strand). Cytogenetic location: 19q13.33.
Variant type: single nucleotide variant.
Coding change: c.3244A>G on transcript NM_017636.4 (MANE Select); coding-DNA position 3244, A replaced by G.
Protein change: p.Ile1082Val; replaces isoleucine 1082 with valine.
Molecular consequence: missense variant.
Genome position (GRCh38, 1-based): chr19:49,210,321, A>G. VCF-style: chr19-49210321-A-G. GRCh37 (hg19) VCF-style: chr19-49713578-A-G.
Other names: c.2809A>G, p.Ile937Val (NM_001195227.2); c.2899A>G, p.Ile967Val (NM_001321281.2); c.1636A>G, p.Ile546Val (NM_001321282.2); c.2722A>G, p.Ile908Val (NM_001321283.2); c.2182A>G, p.Ile728Val (NM_001321285.2); short protein forms I1082V, I546V, I728V, I908V, I937V, I967V.
Identifiers: ClinVar variation 4812182 (VCV004812182.1).

ClinVar aggregate classification (germline): Uncertain significance (1 of 4 stars; one submission).

Conditions:
Progressive familial heart block type IB (PFHB1B). Identifiers: Orphanet 871, MedGen C1970298, MONDO:0011474, OMIM 604559.

Submission:

Labcorp Genetics (formerly Invitae), Labcorp
Classification: Uncertain significance for Progressive familial heart block type IB. Last evaluated: 2025-04-24. Review status: criteria provided, single submitter. Criteria: Invitae Variant Classification Sherloc (09022015). Collection method: clinical testing. Allele origin: germline.
Comment: This sequence change replaces isoleucine, which is neutral and non-polar, with valine, which is neutral and non-polar, at codon 1082 of the TRPM4 protein (p.Ile1082Val). This variant is not present in population databases (gnomAD no frequency). This variant has not been reported in the literature in individuals affected with TRPM4-related conditions. An algorithm developed to predict the effect of missense changes on protein structure and function outputs the following: PolyPhen-2: "Benign". The valine amino acid residue is found in multiple mammalian species, which suggests that this missense change does not adversely affect protein function. In summary, the available evidence is currently insufficient to determine the role of this variant in disease. Therefore, it has been classified as a Variant of Uncertain Significance.